The following is an entry in ClinVar:

ClinVar aggregate classification (germline): Uncertain significance. Review status: criteria provided, multiple submitters, no conflicts (2 of 4 stars). 2 submissions from 2 submitters: Uncertain significance (2). Last evaluated 2025-04-06.

Conditions:
Inborn genetic diseases. Identifiers: MedGen C0950123, MeSH D030342.
Baller-Gerold syndrome (BGS). Also called: CRANIOSYNOSTOSIS WITH RADIAL DEFECTS. Identifiers: Orphanet 1225, MedGen C0265308, MONDO:0009039, OMIM 218600.

Submissions (2):

Ambry Genetics
Classification: Uncertain significance for Inborn genetic diseases. Last evaluated: 2025-04-06. Review status: criteria provided, single submitter. Criteria: Ambry Variant Classification Scheme 2023. Collection method: clinical testing. Allele origin: germline.
Comment: The p.L374F variant (also known as c.1120C>T), located in coding exon 5 of the RECQL4 gene, results from a C to T substitution at nucleotide position 1120. The leucine at codon 374 is replaced by phenylalanine, an amino acid with highly similar properties. This amino acid position is conserved. In addition, this alteration is predicted to be tolerated by in silico analysis. Based on the available evidence, the clinical significance of this variant remains unclear.

Labcorp Genetics (formerly Invitae), Labcorp
Classification: Uncertain significance for Baller-Gerold syndrome. Last evaluated: 2021-06-17. Review status: criteria provided, single submitter. Criteria: Invitae Variant Classification Sherloc (09022015). Collection method: clinical testing. Allele origin: germline.
Comment: In summary, the available evidence is currently insufficient to determine the role of this variant in disease. Therefore, it has been classified as a Variant of Uncertain Significance. Experimental studies and prediction algorithms are not available or were not evaluated, and the functional significance of this variant is currently unknown. This variant has not been reported in the literature in individuals with RECQL4-related conditions. This variant is not present in population databases (ExAC no frequency). This sequence change replaces leucine with phenylalanine at codon 374 of the RECQL4 protein (p.Leu374Phe). The leucine residue is highly conserved and there is a small physicochemical difference between leucine and phenylalanine.

NM_004260.4(RECQL4):c.1120C>T (p.Leu374Phe)

Gene: RECQL4 (RecQ like helicase 4; minus strand). Cytogenetic location: 8q24.3.
Variant type: single nucleotide variant.
Coding change: c.1120C>T on transcript NM_004260.4 (MANE Select); coding-DNA position 1120, C replaced by T.
Protein change: p.Leu374Phe; replaces leucine 374 with phenylalanine.
Molecular consequence: missense variant.
Genome position (GRCh38, 1-based): chr8:144,515,999, G>A on the plus strand (C>T on the coding strand, the complement: RECQL4 is on the minus strand). VCF-style: chr8-144515999-G-A. GRCh37 (hg19) VCF-style: chr8-145741383-G-A.
Other names: c.1120C>T (NM_004260.3); short protein forms L374F.
Identifiers: ClinVar variation 1061750 (VCV001061750.4), dbSNP rs2130715472, ClinGen allele CA372687963.